The following is an entry in ClinVar:

NM_014003.4(DHX38):c.3257G>C (p.Gly1086Ala)

Gene: DHX38 (DEAH-box helicase 38; plus strand). Cytogenetic location: 16q22.2.
Variant type: single nucleotide variant.
Coding change: c.3257G>C on transcript NM_014003.4 (MANE Select); coding-DNA position 3257, G replaced by C.
Protein change: p.Gly1086Ala; replaces glycine 1086 with alanine.
Molecular consequence: missense variant.
Genome position (GRCh38, 1-based): chr16:72,108,801, G>C. VCF-style: chr16-72108801-G-C. GRCh37 (hg19) VCF-style: chr16-72142700-G-C.
Other names: short protein forms G1086A.
Identifiers: ClinVar variation 2101477 (VCV002101477.4), dbSNP rs2507121373, ClinGen allele CA396716513.

ClinVar aggregate classification (germline): Uncertain significance (1 of 4 stars; one submission).

Allele frequency attached by ClinVar (database versions not stated): gnomAD exomes below 0.00001.
gnomAD v4.1: 1 of 1,612,632 alleles (0.000062%); highest among the groups gnomAD compares: Non-Finnish European, 0.000085%; no homozygotes.

Submission:

Labcorp Genetics (formerly Invitae), Labcorp
Classification: Uncertain significance. Last evaluated: 2022-05-15. Review status: criteria provided, single submitter. Criteria: Invitae Variant Classification Sherloc (09022015). Collection method: clinical testing. Allele origin: germline.
Comment: This sequence change replaces glycine, which is neutral and non-polar, with alanine, which is neutral and non-polar, at codon 1086 of the DHX38 protein (p.Gly1086Ala). This variant is not present in population databases (gnomAD no frequency). This variant has not been reported in the literature in individuals affected with DHX38-related conditions. Algorithms developed to predict the effect of missense changes on protein structure and function (SIFT, PolyPhen-2, Align-GVGD) all suggest that this variant is likely to be disruptive. In summary, the available evidence is currently insufficient to determine the role of this variant in disease. Therefore, it has been classified as a Variant of Uncertain Significance.